The following is an entry in ClinVar:

ClinVar aggregate classification (germline): Likely benign (0 of 4 stars; one submission).

Conditions:
PLXNA4-related disorder. Also called: PLXNA4-related condition.

gnomAD v4.1: 2 of 1,614,168 alleles (0.00012%); highest among the groups gnomAD compares: Non-Finnish European, 0.00017%; no homozygotes.

Submission:

PreventionGenetics, part of Exact Sciences
Classification: Likely benign for PLXNA4-related condition. Last evaluated: 2023-08-16. Review status: no assertion criteria provided. Collection method: clinical testing. Allele origin: germline.
Comment: This variant is classified as likely benign based on ACMG/AMP sequence variant interpretation guidelines (Richards et al. 2015 PMID: 25741868, with internal and published modifications).

NM_020911.2(PLXNA4):c.1734C>T (p.Val578=)

Gene: PLXNA4 (plexin A4; minus strand). Cytogenetic location: 7q32.3.
Variant type: single nucleotide variant.
Coding change: c.1734C>T on transcript NM_020911.2 (MANE Select); coding-DNA position 1734, C replaced by T.
Protein change: p.Val578=; no amino-acid change (valine 578 retained).
Molecular consequence: synonymous variant.
Genome position (GRCh38, 1-based): chr7:132,227,599, G>A on the plus strand (C>T on the coding strand, the complement: PLXNA4 is on the minus strand). VCF-style: chr7-132227599-G-A. GRCh37 (hg19) VCF-style: chr7-131912358-G-A.
Other names: c.1734C>T, p.Val578= (NM_001393897.1).
Identifiers: ClinVar variation 3348623 (VCV003348623.1).